The following is an entry in ClinVar:

ClinVar aggregate classification (germline): Likely pathogenic. Review status: criteria provided, multiple submitters, no conflicts (2 of 4 stars). 3 submissions from 3 submitters: Likely pathogenic (3). Last evaluated 2026-01-13.

Conditions:
Epilepsy, familial adult myoclonic, 5 (EPEO5). Also called: CORTICAL MYOCLONIC TREMOR WITH EPILEPSY, FAMILIAL, 5. Identifiers: Orphanet 86814, MedGen C3809374, MONDO:0014167, OMIM 615400.

Allele frequency attached by ClinVar (database versions not stated): gnomAD 0.00001; TOPMed 0.00002.
gnomAD v4.1: 1 of 1,564,092 alleles (0.000064%); highest among the groups gnomAD compares: Admixed American, 0.0019%; no homozygotes.

Submissions (3):

Labcorp Genetics (formerly Invitae), Labcorp
Classification: Likely pathogenic for Epilepsy, familial adult myoclonic, 5. Last evaluated: 2026-01-13. Review status: criteria provided, single submitter. Criteria: Invitae Variant Classification Sherloc (09022015). Collection method: clinical testing. Allele origin: germline.
Comment: This sequence change affects an acceptor splice site in intron 10 of the CNTN2 gene. It is expected to disrupt RNA splicing. Variants that disrupt the donor or acceptor splice site typically lead to a loss of protein function (PMID: 16199547), and loss-of-function variants in CNTN2 are known to be pathogenic (PMID: 11178983, 23518707). This variant is not present in population databases (gnomAD no frequency). This variant has not been reported in the literature in individuals affected with CNTN2-related conditions. ClinVar contains an entry for this variant (Variation ID: 451013). Algorithms developed to predict the effect of sequence changes on RNA splicing suggest that this variant may disrupt the consensus splice site. In summary, the currently available evidence indicates that the variant is pathogenic, but additional data are needed to prove that conclusively. Therefore, this variant has been classified as Likely Pathogenic.

CENTOGENE GmbH and LLC - Guiding Precision Medicine
Classification: Likely pathogenic for Epilepsy, familial adult myoclonic, 5. Last evaluated: 2019-01-16. Review status: criteria provided, single submitter. Criteria: ACMG Guidelines, 2015. Collection method: clinical testing. Allele origin: germline.

GeneDx
Classification: Likely pathogenic. Last evaluated: 2017-08-01. Review status: criteria provided, single submitter. Criteria: GeneDx Variant Classification (06012015). Collection method: clinical testing. Allele origin: germline. Affected: yes.
Comment: The c.1241-1G>C variant in the CNTN2 gene has not been reported previously as a pathogenic variant nor as a benign variant, to our knowledge. This splice site variant destroys the canonical splice acceptor site in intron 10. It is predicted to cause abnormal gene splicing, either leading to an abnormal message that is subject to nonsense-mediated mRNA decay, or to an abnormal protein product if the message is used for protein translation. This variant is not observed in large population cohorts (Lek et al., 2016; 1000 Genomes Consortium et al., 2015; Exome Variant Server). We interpret c.1241-1G>C as a likely pathogenic variant.

Literature cited by the submitters: PubMed 16199547 (cited by Labcorp Genetics (formerly Invitae), Labcorp); PubMed 11178983 (cited by Labcorp Genetics (formerly Invitae), Labcorp); PubMed 23518707 (cited by Labcorp Genetics (formerly Invitae), Labcorp).

NM_005076.5(CNTN2):c.1241-1G>C

Gene: CNTN2 (contactin 2; plus strand). Cytogenetic location: 1q32.1.
Variant type: single nucleotide variant.
Coding change: c.1241-1G>C on transcript NM_005076.5 (MANE Select); the canonical splice acceptor site of the intron before coding-DNA position 1241, G replaced by C.
Molecular consequence: splice acceptor variant.
Genome position (GRCh38, 1-based): chr1:205,064,321, G>C. VCF-style: chr1-205064321-G-C. GRCh37 (hg19) VCF-style: chr1-205033449-G-C.
Other names: c.1241-1G>C (NM_001346083.2).
Identifiers: ClinVar variation 451013 (VCV000451013.4), dbSNP rs1553345874, ClinGen allele CA344374668.